The following is an entry in ClinVar:

ClinVar aggregate classification (germline): Uncertain significance. Review status: criteria provided, multiple submitters, no conflicts (2 of 4 stars). 3 submissions from 3 submitters: Uncertain significance (3). Last evaluated 2022-08-12.

Conditions:
Inborn genetic diseases. Identifiers: MedGen C0950123, MeSH D030342.
Sengers syndrome. Also called: MITOCHONDRIAL DNA DEPLETION SYNDROME 10 (CARDIOMYOPATHIC TYPE); Cardiomyopathy and cataract. Identifiers: Orphanet 1369, MedGen C1859317, MONDO:0008922, OMIM 212350.
Cataract 38. Also called: Cataract, autosomal recessive congenital 5; Cataract 38, autosomal recessive. Identifiers: Orphanet 91492, MedGen C3553494, MONDO:0013859, OMIM 614691.

Allele frequency attached by ClinVar (database versions not stated): TOPMed 0.00022; ESP Exome Variant Server 0.00023.
gnomAD v4.1: 323 of 1,613,372 alleles (0.02%); highest among the groups gnomAD compares: Non-Finnish European, 0.022%; no homozygotes.

Submissions (3):

Labcorp Genetics (formerly Invitae), Labcorp
Classification: Uncertain significance for Sengers syndrome; Cataract 38. Last evaluated: 2022-08-12. Review status: criteria provided, single submitter. Criteria: Invitae Variant Classification Sherloc (09022015). Collection method: clinical testing. Allele origin: germline.
Comment: This sequence change replaces glutamic acid, which is acidic and polar, with glutamine, which is neutral and polar, at codon 111 of the AGK protein (p.Glu111Gln). This variant is present in population databases (rs145805257, gnomAD 0.08%). This variant has not been reported in the literature in individuals affected with AGK-related conditions. ClinVar contains an entry for this variant (Variation ID: 389396). Algorithms developed to predict the effect of missense changes on protein structure and function are either unavailable or do not agree on the potential impact of this missense change (SIFT: "Tolerated"; PolyPhen-2: "Possibly Damaging"; Align-GVGD: "Class C0"). In summary, the available evidence is currently insufficient to determine the role of this variant in disease. Therefore, it has been classified as a Variant of Uncertain Significance.

Ambry Genetics
Classification: Uncertain significance for Inborn genetic diseases. Last evaluated: 2022-02-22. Review status: criteria provided, single submitter. Criteria: Ambry Variant Classification Scheme 2023. Collection method: clinical testing. Allele origin: germline.

GeneDx
Classification: Uncertain significance. Last evaluated: 2017-09-18. Review status: criteria provided, single submitter. Criteria: GeneDx Variant Classification (06012015). Collection method: clinical testing. Allele origin: germline. Affected: yes.
Comment: A variant of uncertain significance has been identified in the AGK gene. The E111Q variant has not been published as a pathogenic variant, nor has it been reported as a benign variant to our knowledge. The E111Q variant was not observed at any significant frequency in approximately 6,500 individuals of European and African American ancestry in the NHLBI Exome Sequencing Project, indicating it is not a common benign variant in these populations. The E111Q variant is a semi-conservative amino acid substitution, which may impact secondary protein structure as these residues differ in some properties. This substitution occurs at a position that is conserved across specie. In silico analysis is inconsistent in its predictions as to whether or not the variant is damaging to the protein structure/function. Therefore, based on the currently available information, it is unclear whether this variant is a pathogenic variant or a rare benign variant.

NM_018238.4(AGK):c.331G>C (p.Glu111Gln)

Gene: AGK (acylglycerol kinase; plus strand). Cytogenetic location: 7q34.
Variant type: single nucleotide variant.
Coding change: c.331G>C on transcript NM_018238.4 (MANE Select); coding-DNA position 331, G replaced by C.
Protein change: p.Glu111Gln; replaces glutamic acid 111 with glutamine.
Molecular consequence: missense variant.
Genome position (GRCh38, 1-based): chr7:141,611,228, G>C. VCF-style: chr7-141611228-G-C. GRCh37 (hg19) VCF-style: chr7-141311028-G-C.
Other names: c.331G>C, p.Glu111Gln (NM_001364948.3); short protein forms E111Q.
Identifiers: ClinVar variation 389396 (VCV000389396.4), dbSNP rs145805257, ClinGen allele CA4517396.